The following is an entry in ClinVar:

NM_006306.4(SMC1A):c.3047_3048del (p.Val1016fs)

Gene: SMC1A (structural maintenance of chromosomes 1A; minus strand). Cytogenetic location: Xp11.22.
Variant type: Microsatellite.
Coding change: c.3047_3048del on transcript NM_006306.4 (MANE Select); coding-DNA positions 3047 to 3048, 2 bases deleted (TG; older notation c.3047_3048delTG).
Protein change: p.Val1016fs; shifts the reading frame from valine 1016.
Molecular consequence: frameshift variant.
Genome position (GRCh38, 1-based): chrX:53,383,179-53,383,180, CA deleted on the plus strand (TG on the coding strand, the reverse complement: SMC1A is on the minus strand); deleting any 2 consecutive bases within chrX:53,383,179-53,383,183 gives the same sequence; the c. name uses the placement nearest the transcript's 3' end. VCF-style (leftmost placement, unchanged base first): chrX-53383178-GCA-G. GRCh37 (hg19) VCF-style: chrX-53410099-GCA-G.
Other names: c.2981_2982del, p.Val994fs (NM_001281463.1); short protein forms V1016fs, V994fs.
Identifiers: ClinVar variation 3342621 (VCV003342621.1).

ClinVar aggregate classification (germline): Pathogenic (1 of 4 stars; one submission).

Submission:

GeneDx
Classification: Pathogenic. Last evaluated: 2023-09-21. Review status: criteria provided, single submitter. Criteria: GeneDx Variant Classification Process June 2021. Collection method: clinical testing. Allele origin: germline. Affected: yes.
Comment: Frameshift variant predicted to result in protein truncation or nonsense mediated decay in a gene for which loss of function is a known mechanism of disease; Not observed at significant frequency in large population cohorts (gnomAD); Identified in a patient with Cornelia de Lange syndrome in published literature, however familial segregation studies were not completed (Baranano et al., 2022); please note that this variant is referred to as c.3046_3048delGTGinsG using alternate nomenclature; This variant is associated with the following publications: (PMID: 35238682)